The following is an entry in ClinVar:

ClinVar aggregate classification (germline): Uncertain significance (1 of 4 stars; one submission).

Conditions:
DIP2A-related disorder. Also called: DIP2A-related condition.

Submission:

PreventionGenetics, part of Exact Sciences
Classification: Uncertain significance for DIP2A-related condition. Last evaluated: 2023-10-05. Review status: criteria provided, single submitter. Criteria: ACMG Guidelines, 2015. Collection method: clinical testing. Allele origin: germline.
Comment: The DIP2A c.4206delC variant is predicted to result in a frameshift and premature protein termination (p.Val1403Phefs*16). To our knowledge, this variant has not been reported in the literature or in a large population database, indicating this variant is rare. Loss of function is not an established mechanism of DIP2A-associated disease. Although we suspect that this variant may be pathogenic, at this time, the clinical significance of this variant is uncertain due to the absence of conclusive functional and genetic evidence.

NM_015151.4(DIP2A):c.4206del (p.Val1403fs)

Gene: DIP2A (disco interacting protein 2 homolog A; plus strand). Cytogenetic location: 21q22.3.
Variant type: Deletion.
Coding change: c.4206del on transcript NM_015151.4 (MANE Select); coding-DNA position 4206, one base deleted (C; older notation c.4206delC).
Protein change: p.Val1403fs; shifts the reading frame from valine 1403.
Molecular consequence: frameshift variant.
Genome position (GRCh38, 1-based): chr21:46,565,754, C deleted; the last of 2 consecutive C bases (chr21:46,565,753-46,565,754); deleting either gives the same sequence. VCF-style (leftmost placement, unchanged base first): chr21-46565752-AC-A. GRCh37 (hg19) VCF-style: chr21-47985665-AC-A.
Other names: c.4194del, p.Val1399fs (NM_001146116.2); c.4209del, p.Val1404fs (NM_001353942.2); c.4206del, p.Val1403fs (NM_001353943.2); c.4236del, p.Val1413fs (NM_001410751.1); short protein forms V1399fs, V1403fs, V1404fs, V1413fs.
Identifiers: ClinVar variation 2630775 (VCV002630775.1), dbSNP rs1316637894, ClinGen allele CA410589748.